The following is an entry in ClinVar:

NM_001386795.1(DTNA):c.675G>C (p.Leu225Phe)

Gene: DTNA (dystrobrevin alpha; plus strand). Cytogenetic location: 18q12.1.
Variant type: single nucleotide variant.
Coding change: c.675G>C on transcript NM_001386795.1 (MANE Select); coding-DNA position 675, G replaced by C.
Protein change: p.Leu225Phe; replaces leucine 225 with phenylalanine.
Molecular consequence: missense variant. On other transcripts: intron variant (1).
Genome position (GRCh38, 1-based): chr18:34,815,980, G>C. VCF-style: chr18-34815980-G-C. GRCh37 (hg19) VCF-style: chr18-32395944-G-C.
Other names: c.675G>C, p.Leu225Phe (NM_001128175.2, NM_001198938.2, NM_001198939.2 and 34 more transcripts); c.603+3867G>C (NM_001198945.2); short protein forms L225F.
Identifiers: ClinVar variation 1481729 (VCV001481729.10), dbSNP rs376519672, ClinGen allele CA297759701.
Genomic context (GRCh38, chr18:34,815,980, plus strand): 5'-GTTAAATGGTTTCTTGGACACGCTTATGTCAGATCCTCCCCCGCAGTGTCTGGTCTGGTT[G>C]CCTCTTCTGCATCGACTAGCAAATGTGGAAAATGGTGAGTAGTTACTAAGGAGCAAAGGT-3'
Protein context (NP_001373724.1, residues 215-235): SDPPPQCLVW[Leu225Phe]PLLHRLANVE

ClinVar aggregate classification (germline): Uncertain significance. Review status: criteria provided, multiple submitters, no conflicts (2 of 4 stars). 2 submissions from 2 submitters: Uncertain significance (2). Last evaluated 2026-01-12.

Conditions:
Left ventricular noncompaction 1 (LVNC1). Also called: LEFT VENTRICULAR NONCOMPACTION 1 WITH OR WITHOUT CONGENITAL HEART DEFECTS. Identifiers: Orphanet 54260, MedGen C1858725, MONDO:0011403, OMIM 604169.

gnomAD v4.1: 1 of 1,613,704 alleles (0.000062%); highest among the groups gnomAD compares: Admixed American, 0.0017%; no homozygotes.

Submissions (2):

Dasa
Classification: Uncertain significance. Last evaluated: 2026-01-12. Review status: criteria provided, single submitter. Criteria: DASA Assertion Criteria. Collection method: clinical testing. Allele origin: germline.
Comment: NM_001386795.1(DTNA):c.675G>C (p.Leu225Phe) is a missense variant that results in the substitution of leucine with phenylalanine. This variant is rare in population databases. Computational prediction algorithms are consistent with a deleterious effect. The currently available literature and clinical evidence are not sufficient to establish a definitive association between this variant and the reported condition. Therefore, this variant is classified as a variant of uncertain significance.

Labcorp Genetics (formerly Invitae), Labcorp
Classification: Uncertain significance for Left ventricular noncompaction 1. Last evaluated: 2022-07-25. Review status: criteria provided, single submitter. Criteria: Invitae Variant Classification Sherloc (09022015). Collection method: clinical testing. Allele origin: germline.
Comment: In summary, the available evidence is currently insufficient to determine the role of this variant in disease. Therefore, it has been classified as a Variant of Uncertain Significance. Algorithms developed to predict the effect of missense changes on protein structure and function are either unavailable or do not agree on the potential impact of this missense change (SIFT: "Deleterious"; PolyPhen-2: "Probably Damaging"; Align-GVGD: "Class C15"). ClinVar contains an entry for this variant (Variation ID: 1481729). This variant has not been reported in the literature in individuals affected with DTNA-related conditions. This variant is not present in population databases (gnomAD no frequency). This sequence change replaces leucine, which is neutral and non-polar, with phenylalanine, which is neutral and non-polar, at codon 225 of the DTNA protein (p.Leu225Phe).